The following is an entry in ClinVar:

NM_000288.4(PEX7):c.527-1G>C

Gene: PEX7 (peroxisomal biogenesis factor 7; plus strand). Cytogenetic location: 6q23.3.
Variant type: single nucleotide variant.
Coding change: c.527-1G>C on transcript NM_000288.4 (MANE Select); the canonical splice acceptor site of the intron before coding-DNA position 527, G replaced by C.
Molecular consequence: splice acceptor variant.
Genome position (GRCh38, 1-based): chr6:136,866,626, G>C. VCF-style: chr6-136866626-G-C. GRCh37 (hg19) VCF-style: chr6-137187764-G-C.
Other names: c.413-1G>C (NM_001410945.1).
Identifiers: ClinVar variation 5003373 (VCV005003373.1).

ClinVar aggregate classification (germline): Likely pathogenic (1 of 4 stars; one submission).

Conditions:
Peroxisome biogenesis disorder. Identifiers: Orphanet 79189, MedGen C1832200, MONDO:0019234. Disease mechanism: loss of function.

gnomAD v4.1: 1 of 1,612,934 alleles (0.000062%); no homozygotes.

Submission:

Myriad Genetics, Inc.
Classification: Likely pathogenic for Peroxisome biogenesis disorder. Last evaluated: 2026-02-09. Review status: criteria provided, single submitter. Criteria: Myriad Autosomal Dominant, Autosomal Recessive and X-Linked Classification Criteria (2023). Collection method: clinical testing. Allele origin: unknown.
Comment: NM_000288.3(PEX7):c.527-1G>C is a variant in a canonical splice site classified as likely pathogenic in the context of PEX7-related disorders. c.527-1G>C has not been observed in cases with relevant disease. Relevant functional assessments of this variant are not available in the literature. c.527-1G>C has not been observed in referenced population frequency databases. In summary, NM_000288.3(PEX7):c.527-1G>C is a variant in a canonical splice site in a gene where loss of function is a known mechanism of disease and is predicted to disrupt protein function. Please note: this variant was assessed in the context of healthy population screening.